The following is an entry in ClinVar:

ClinVar aggregate classification (germline): Uncertain significance (1 of 4 stars; one submission).

Conditions:
Ehlers-Danlos syndrome (EDS). Identifiers: Orphanet 98249, MedGen C0013720, MONDO:0020066.
Dry eye syndrome. Identifiers: MedGen C0013238, MONDO:0006733.

Submission:

Petrovsky National Research Centre of Surgery, The Federal Agency for Scientific Organizations
Classification: Uncertain significance for Ehlers-Danlos syndrome; Dry eye syndrome. Last evaluated: 2026-06-30. Review status: criteria provided, single submitter. Criteria: ACMG Guidelines, 2015. Collection method: research. Allele origin: unknown. Inheritance: Autosomal dominant inheritance. Affected: yes. Observed: 1 variant allele, 1 heterozygote.
Comment: This variant is absent in The Genome Aggregation Database (gnomAD) v4.1.0 (Date of access 10-06-2026). Computational evidence suggests disruption of splicing: SpliceAI score=0.24>0.2 (PP3). In accordance with ACMG(2015) criteria this variant is classified as Variant of Uncertain Significance (VUS) with following criteria selected: PM2, PP3.

NM_000093.5(COL5A1):c.3852+47_3852+56del

Gene: COL5A1 (collagen type V alpha 1 chain; plus strand). Cytogenetic location: 9q34.3.
Variant type: Deletion.
Coding change: c.3852+47_3852+56del on transcript NM_000093.5 (MANE Select); bases 47 to 56 of the intron after coding-DNA position 3852, 10 bases deleted (AGTGTGTGTG; older notation c.3852+47_3852+56delAGTGTGTGTG).
Molecular consequence: intron variant.
Genome position (GRCh38, 1-based): chr9:134,812,759-134,812,768, AGTGTGTGTG deleted; deleting any 10 consecutive bases within chr9:134,812,758-134,812,768 gives the same sequence; the c. name uses the placement nearest the transcript's 3' end. VCF-style (leftmost placement, unchanged base first): chr9-134812757-GGAGTGTGTGT-G. GRCh37 (hg19) VCF-style: chr9-137704603-GGAGTGTGTGT-G.
Other names: c.3852+47_3852+56del (NM_001278074.1).
Identifiers: ClinVar variation 4857227 (VCV004857227.1).